The following is an entry in ClinVar:

NM_138694.4(PKHD1):c.5146G>A (p.Val1716Ile)

Genes: PKHD1 (PKHD1 ciliary IPT domain containing fibrocystin/polyductin; minus strand), LOC126859690 (MED14-independent group 3 enhancer GRCh37_chr6:51888848-51890047; plus strand). Cytogenetic location: 6p12.2.
Variant type: single nucleotide variant.
Coding change: c.5146G>A on transcript NM_138694.4 (MANE Select); coding-DNA position 5146, G replaced by A.
Protein change: p.Val1716Ile; replaces valine 1716 with isoleucine.
Molecular consequence: missense variant.
Genome position (GRCh38, 1-based): chr6:52,024,664, C>T on the plus strand (G>A on the coding strand, the complement: PKHD1 is on the minus strand). VCF-style: chr6-52024664-C-T. GRCh37 (hg19) VCF-style: chr6-51889462-C-T.
Other names: c.5146G>A, p.Val1716Ile (NM_170724.3); short protein forms V1716I.
Identifiers: ClinVar variation 1878676 (VCV001878676.3), dbSNP rs751058491, ClinGen allele CA3852601.

ClinVar aggregate classification (germline): Uncertain significance. Review status: criteria provided, multiple submitters, no conflicts (2 of 4 stars). 2 submissions from 2 submitters: Uncertain significance (2). Last evaluated 2023-06-21.

Conditions:
Inborn genetic diseases. Identifiers: MedGen C0950123, MeSH D030342.

Allele frequency attached by ClinVar (database versions not stated): ExAC 0.00001; gnomAD exomes 0.00001.
gnomAD v4.1: 9 of 1,614,174 alleles (0.00056%); highest among the groups gnomAD compares: East Asian, 0.0045%; no homozygotes.

Submissions (2):

Ambry Genetics
Classification: Uncertain significance for Inborn genetic diseases. Last evaluated: 2023-06-21. Review status: criteria provided, single submitter. Criteria: Ambry Variant Classification Scheme 2023. Collection method: clinical testing. Allele origin: germline.

GeneDx
Classification: Uncertain significance. Last evaluated: 2022-07-15. Review status: criteria provided, single submitter. Criteria: GeneDx Variant Classification Process June 2021. Collection method: clinical testing. Allele origin: germline. Affected: yes.
Comment: Not observed at significant frequency in large population cohorts (gnomAD); In silico analysis supports that this missense variant does not alter protein structure/function; Has not been previously published as pathogenic or benign to our knowledge